The following is an entry in ClinVar:

ClinVar aggregate classification (germline): Uncertain significance (1 of 4 stars; one submission).

Conditions:
Joubert syndrome. Also called: JOUBERT-BOLTSHAUSER SYNDROME; Familial aplasia of the vermis. Identifiers: Orphanet 475, MedGen C5979921, MONDO:0018772.
Meckel-Gruber syndrome. Also called: DYSENCEPHALIA SPLANCHNOCYSTICA; GRUBER SYNDROME; Dysencephalia splachnocystica. Identifiers: Orphanet 564, MedGen C0265215, MONDO:0018921.

Allele frequency attached by ClinVar (database versions not stated): TOPMed below 0.00001; gnomAD exomes 0.00001.
gnomAD v4.1: 5 of 1,593,166 alleles (0.00031%); highest among the groups gnomAD compares: Admixed American, 0.0087%; no homozygotes.

Submission:

Labcorp Genetics (formerly Invitae), Labcorp
Classification: Uncertain significance for Joubert syndrome; Meckel-Gruber syndrome. Last evaluated: 2022-04-29. Review status: criteria provided, single submitter. Criteria: Invitae Variant Classification Sherloc (09022015). Collection method: clinical testing. Allele origin: germline.
Comment: This sequence change replaces glutamine, which is neutral and polar, with histidine, which is basic and polar, at codon 943 of the CC2D2A protein (p.Gln943His). This variant also falls at the last nucleotide of exon 22, which is part of the consensus splice site for this exon. This variant is present in population databases (no rsID available, gnomAD 0.02%). This variant has not been reported in the literature in individuals affected with CC2D2A-related conditions. Algorithms developed to predict the effect of missense changes on protein structure and function are either unavailable or do not agree on the potential impact of this missense change (SIFT: "Tolerated"; PolyPhen-2: "Possibly Damaging"; Align-GVGD: "Class C0"). Variants that disrupt the consensus splice site are a relatively common cause of aberrant splicing (PMID: 17576681, 9536098). Algorithms developed to predict the effect of sequence changes on RNA splicing suggest that this variant may create or strengthen a splice site. In summary, the available evidence is currently insufficient to determine the role of this variant in disease. Therefore, it has been classified as a Variant of Uncertain Significance.

Literature cited by the submitters: PubMed 17576681; PubMed 9536098.

NM_001378615.1(CC2D2A):c.2829G>T (p.Gln943His)

Genes: CC2D2A (coiled-coil and C2 domain containing 2A; plus strand), FBXL5 (F-box and leucine rich repeat protein 5; minus strand). Cytogenetic location: 4p15.32.
Variant type: single nucleotide variant.
Coding change: c.2829G>T on transcript NM_001378615.1 (MANE Select); coding-DNA position 2829, G replaced by T.
Protein change: p.Gln943His; replaces glutamine 943 with histidine.
Molecular consequence: missense variant.
Genome position (GRCh38, 1-based): chr4:15,557,507, G>T. VCF-style: chr4-15557507-G-T. GRCh37 (hg19) VCF-style: chr4-15559130-G-T.
Other names: c.2829G>T, p.Gln943His (NM_001080522.2); c.2682G>T, p.Gln894His (NM_001378617.1); short protein forms Q943H, Q894H.
Identifiers: ClinVar variation 2194642 (VCV002194642.1), dbSNP rs1252162934, ClinGen allele CA356412550.